The following is an entry in ClinVar:

ClinVar aggregate classification (germline): Benign. Review status: criteria provided, multiple submitters, no conflicts (2 of 4 stars). 13 submissions from 13 submitters: Benign (10). 3 of the submissions do not count toward it. Last evaluated 2026-02-04.

Conditions:
PMM2-congenital disorder of glycosylation. Also called: JAEKEN SYNDROME; PHOSPHOMANNOMUTASE 2 DEFICIENCY; CARBOHYDRATE-DEFICIENT GLYCOPROTEIN SYNDROME, TYPE Ia; CDG Ia; Congenital disorder of glycosylation, type Ia; PMM2-CDG. Identifiers: Orphanet 79318, MedGen C0349653, MONDO:0008907, OMIM 212065.

Allele frequency attached by ClinVar (database versions not stated): 1000 Genomes Project 30x 0.37680; 1000 Genomes Project 0.38119; TOPMed 0.41450; ESP Exome Variant Server 0.43742; ExAC 0.46536.
gnomAD v4.1: 721,885 of 1,445,742 alleles (50%); highest among the groups gnomAD compares: Non-Finnish European, 53%; 184,852 homozygotes.

Submissions (13):

Labcorp Genetics (formerly Invitae), Labcorp
Classification: Benign for PMM2-congenital disorder of glycosylation. Last evaluated: 2026-02-04. Review status: criteria provided, single submitter. Criteria: Invitae Variant Classification Sherloc (09022015). Collection method: clinical testing. Allele origin: germline.

Blueprint Genetics
Classification: Benign. Last evaluated: 2024-11-27. Review status: criteria provided, single submitter. Criteria: ACMG Guidelines, 2015. Collection method: clinical testing. Allele origin: germline.

Genome-Nilou Lab
Classification: Benign for PMM2-congenital disorder of glycosylation. Last evaluated: 2021-07-10. Review status: criteria provided, single submitter. Criteria: ACMG Guidelines, 2015. Collection method: clinical testing. Allele origin: germline. Affected: no.

Eurofins Ntd Llc (ga)
Classification: Benign. Last evaluated: 2018-04-24. Review status: criteria provided, single submitter. Criteria: EGL ClinVar v180209 classification definitions. Collection method: clinical testing. Allele origin: germline. Observed: 78 variant alleles, 57 heterozygotes, 22 homozygotes.

Mayo Clinic Laboratories, Mayo Clinic
Classification: Benign. Last evaluated: 2017-12-19. Review status: criteria provided, single submitter. Criteria: ACMG Guidelines, 2015. Collection method: clinical testing. Allele origin: germline. Observed: 54 variant alleles.

GeneDx
Classification: Benign. Last evaluated: 2017-11-03. Review status: criteria provided, single submitter. Criteria: GeneDx Variant Classification (06012015). Collection method: clinical testing. Allele origin: germline. Affected: yes.
Comment: This variant is considered likely benign or benign based on one or more of the following criteria: it is a conservative change, it occurs at a poorly conserved position in the protein, it is predicted to be benign by multiple in silico algorithms, and/or has population frequency not consistent with disease.

Women's Health and Genetics/Laboratory Corporation of America, LabCorp
Classification: Benign. Last evaluated: 2016-01-04. Review status: criteria provided, single submitter. Criteria: LabCorp Variant Classification Summary - May 2015. Collection method: clinical testing. Allele origin: germline.

Genome Diagnostics Laboratory, University Medical Center Utrecht
Classification: Benign for PMM2-congenital disorder of glycosylation. Last evaluated: 2014-10-09. Review status: criteria provided, single submitter. Criteria: ACGS Guidelines, 2013. Collection method: clinical testing. Allele origin: germline. Affected: yes. Study: VKGL Data-share Consensus.

Breakthrough Genomics
Classification: Benign. Review status: criteria provided, single submitter. Criteria: ACMG Guidelines, 2015. Collection method: not provided. Allele origin: germline. Inheritance: Autosomal recessive inheritance. Affected: yes.

PreventionGenetics, part of Exact Sciences
Classification: Benign. Review status: criteria provided, single submitter. Criteria: ACMG Guidelines, 2015. Collection method: clinical testing. Allele origin: germline.

Clinical Genetics, Academic Medical Center
Classification: Benign. Review status: no assertion criteria provided. Collection method: clinical testing. Allele origin: germline. Affected: yes. Study: VKGL Data-share Consensus. Not counted in ClinVar's aggregate classification.

Diagnostic Laboratory, Department of Genetics, University Medical Center Groningen
Classification: Benign for PMM2-congenital disorder of glycosylation. Review status: no assertion criteria provided. Collection method: clinical testing. Allele origin: germline. Affected: yes. Study: VKGL Data-share Consensus. Not counted in ClinVar's aggregate classification.

Joint Genome Diagnostic Labs from Nijmegen and Maastricht, Radboudumc and MUMC+
Classification: Benign. Review status: no assertion criteria provided. Collection method: clinical testing. Allele origin: germline. Affected: yes. Study: VKGL Data-share Consensus. Not counted in ClinVar's aggregate classification.

NM_000303.3(PMM2):c.447+19T>C

Gene: PMM2 (phosphomannomutase 2; plus strand). Cytogenetic location: 16p13.2.
Variant type: single nucleotide variant.
Coding change: c.447+19T>C on transcript NM_000303.3 (MANE Select); 19 bases into the intron after coding-DNA position 447, T replaced by C.
Molecular consequence: intron variant.
Genome position (GRCh38, 1-based): chr16:8,811,197, T>C. VCF-style: chr16-8811197-T-C. GRCh37 (hg19) VCF-style: chr16-8905054-T-C.
Other names: p.?.
Identifiers: ClinVar variation 92802 (VCV000092802.24), dbSNP rs11074924, ClinGen allele CA146026.